The following is an entry in ClinVar:

ClinVar aggregate classification (germline): Uncertain significance (1 of 4 stars; one submission).

Conditions:
Hereditary cancer-predisposing syndrome. Also called: Neoplastic Syndromes, Hereditary; Tumor predisposition; Hereditary Cancer Syndrome; Hereditary neoplastic syndrome. Identifiers: Orphanet 140162, MedGen C0027672, MeSH D009386, MONDO:0015356.

Allele frequency attached by ClinVar (database versions not stated): gnomAD exomes below 0.00001.
gnomAD v4.1: 4 of 1,614,146 alleles (0.00025%); highest among the groups gnomAD compares: Non-Finnish European, 0.00034%; no homozygotes.

Submission:

Ambry Genetics
Classification: Uncertain significance for Hereditary cancer-predisposing syndrome. Last evaluated: 2021-07-14. Review status: criteria provided, single submitter. Criteria: Ambry Variant Classification Scheme 2023. Collection method: clinical testing. Allele origin: germline.
Comment: The p.T259I variant (also known as c.776C>T), located in coding exon 5 of the PDGFRA gene, results from a C to T substitution at nucleotide position 776. The threonine at codon 259 is replaced by isoleucine, an amino acid with similar properties. This amino acid position is conserved. In addition, this alteration is predicted to be tolerated by in silico analysis. Since supporting evidence is limited at this time, the clinical significance of this alteration remains unclear.

NM_006206.6(PDGFRA):c.776C>T (p.Thr259Ile)

Gene: PDGFRA (platelet derived growth factor receptor alpha; plus strand). Cytogenetic location: 4q12.
Variant type: single nucleotide variant.
Coding change: c.776C>T on transcript NM_006206.6 (MANE Select); coding-DNA position 776, C replaced by T.
Protein change: p.Thr259Ile; replaces threonine 259 with isoleucine.
Molecular consequence: missense variant.
Genome position (GRCh38, 1-based): chr4:54,267,305, C>T. VCF-style: chr4-54267305-C-T. GRCh37 (hg19) VCF-style: chr4-55133472-C-T.
Other names: c.776C>T, p.Thr259Ile (NM_001347827.2, NM_001347829.2); c.851C>T, p.Thr284Ile (NM_001347828.2); c.815C>T, p.Thr272Ile (NM_001347830.2); short protein forms T272I, T259I, T284I.
Identifiers: ClinVar variation 1760537 (VCV001760537.2), dbSNP rs2110264492, ClinGen allele CA356891086.
Genomic context (GRCh38, chr4:54,267,305, plus strand): 5'-GAGCGAGCTTTTTAAAAGTCGGTTTTCTTCCCCTTTTGCTGTAGAAAGGCAAAGGCATCA[C>T]AATGCTGGAAGAAATCAAAGTCCCATCCATCAAATTGGTGTACACTTTGACGGTCCCCGA-3'
Protein context (NP_006197.1, residues 249-269): YPGEVKGKGI[Thr259Ile]MLEEIKVPSI